The following is an entry in ClinVar:

NM_001242307.1(PITRM1):c.-11C>G

Genes: PITRM1 (pitrilysin metallopeptidase 1; minus strand), LOC130003177 (ATAC-STARR-seq lymphoblastoid silent region 2073; plus strand). Cytogenetic location: 10p15.2.
Variant type: single nucleotide variant.
Coding change: c.-11C>G on transcript NM_001242307.1; 11 bases upstream of the start codon, C replaced by G.
Molecular consequence: 5 prime UTR variant (on NM_001242309.1).
Genome position (GRCh38, 1-based): chr10:3,172,783, G>C on the plus strand (C>G on the coding strand, the complement: PITRM1 is on the minus strand). VCF-style: chr10-3172783-G-C. GRCh37 (hg19) VCF-style: chr10-3214975-G-C.
Other names: c.-4C>G (NM_001242309.1).
Identifiers: ClinVar variation 3041420 (VCV003041420.2), dbSNP rs374682935, ClinGen allele CA5388392.

ClinVar aggregate classification (germline): Benign (0 of 4 stars; one submission).

Conditions:
PITRM1-related disorder. Also called: PITRM1-related condition.

Allele frequency attached by ClinVar (database versions not stated): 1000 Genomes Project 0.00499; 1000 Genomes Project 30x 0.00578; ESP Exome Variant Server 0.00241.
gnomAD v4.1: 1,409 of 1,536,366 alleles (0.092%); highest among the groups gnomAD compares: African/African-American, 1.8%; 15 homozygotes.

Submission:

PreventionGenetics, part of Exact Sciences
Classification: Benign for PITRM1-related condition. Last evaluated: 2019-11-06. Review status: no assertion criteria provided. Collection method: clinical testing. Allele origin: germline.
Comment: This variant is classified as benign based on ACMG/AMP sequence variant interpretation guidelines (Richards et al. 2015 PMID: 25741868, with internal and published modifications).